The following is an entry in ClinVar:

ClinVar aggregate classification (germline): Uncertain significance. Review status: criteria provided, multiple submitters, no conflicts (2 of 4 stars). 9 submissions from 9 submitters: Uncertain significance (7). 2 of the submissions do not count toward it. Last evaluated 2026-02-18.

Conditions:
MYO7A-related disorder. Also called: MYO7A-related disorders.
Usher syndrome type 1B (USH1B). Also called: Usher syndrome type IB. Identifiers: MedGen C1848638, MONDO:0700087.
Usher syndrome type 1 (USH1). Also called: RETINITIS PIGMENTOSA AND CONGENITAL DEAFNESS. Identifiers: Orphanet 231169, Orphanet 886, MedGen C1568247, MONDO:0010168, OMIM 276900.
Autosomal recessive nonsyndromic hearing loss 2. Also called: DEAFNESS, AUTOSOMAL RECESSIVE 2; NEUROSENSORY NONSYNDROMIC RECESSIVE DEAFNESS 2. Identifiers: Orphanet 90636, MedGen C1838701, MONDO:0010807, OMIM 600060.
Autosomal dominant nonsyndromic hearing loss 11. Identifiers: Orphanet 90635, MedGen C1832475, MONDO:0011032, OMIM 601317.

Allele frequency attached by ClinVar (database versions not stated): gnomAD 0.00005; ESP Exome Variant Server 0.00008; gnomAD exomes 0.00011 and 0.00014; TOPMed 0.00011; ExAC 0.00017.

Submissions (9):

PreventionGenetics, part of Exact Sciences
Classification: Uncertain significance for MYO7A-related condition. Last evaluated: 2026-02-18. Review status: criteria provided, single submitter. Criteria: ACMG Guidelines, 2015. Collection method: clinical testing. Allele origin: germline.
Comment: The MYO7A c.3134T>C variant is predicted to result in the amino acid substitution p.Ile1045Thr. This variant has been reported in the homozygous state along with the MYO7A variant c.5507C>T (p.Leu1836Pro) also in the homozygous state in multiple individuals with Usher syndrome (Jaijo et al. 2007. PubMed ID: 17361009; Table S3, Maltese et al. 2022. PubMed ID: 35836572). This variant has also been reported in a cohort study of retinal disease, but zygosity was not noted (Table S1, Karali et al. 2022. PubMed ID: 36460718). This variant is reported in 0.020% of alleles in individuals of European (Non-Finnish) descent in gnomAD. Although we suspect that this variant may be pathogenic, and possibly only when in cis with the variant c.5507C>T (p.Leu1836Pro), at this time, the clinical significance of this variant is uncertain due to the absence of conclusive functional and genetic evidence.

Labcorp Genetics (formerly Invitae), Labcorp
Classification: Uncertain significance. Last evaluated: 2024-11-27. Review status: criteria provided, single submitter. Criteria: Invitae Variant Classification Sherloc (09022015). Collection method: clinical testing. Allele origin: germline.
Comment: This sequence change replaces isoleucine, which is neutral and non-polar, with threonine, which is neutral and polar, at codon 1045 of the MYO7A protein (p.Ile1045Thr). This variant is present in population databases (rs377326213, gnomAD 0.02%). This missense change has been observed in individual(s) with Usher syndrome (PMID: 17361009, 36460718). ClinVar contains an entry for this variant (Variation ID: 501914). Invitae Evidence Modeling of protein sequence and biophysical properties (such as structural, functional, and spatial information, amino acid conservation, physicochemical variation, residue mobility, and thermodynamic stability) indicates that this missense variant is expected to disrupt MYO7A protein function with a positive predictive value of 95%. In summary, the available evidence is currently insufficient to determine the role of this variant in disease. Therefore, it has been classified as a Variant of Uncertain Significance.

Blueprint Genetics
Classification: Uncertain significance. Last evaluated: 2023-12-13. Review status: criteria provided, single submitter. Criteria: ACMG Guidelines, 2015. Collection method: clinical testing. Allele origin: germline.

GeneDx
Classification: Uncertain significance. Last evaluated: 2023-03-30. Review status: criteria provided, single submitter. Criteria: GeneDx Variant Classification Process June 2021. Collection method: clinical testing. Allele origin: germline. Affected: yes.
Comment: Observed in homozygous state in a patient with Usher syndrome who also harbored a second homozygous variant in the MYO7A gene in the literature (Jaijo et al., 2007); In silico analysis supports that this missense variant has a deleterious effect on protein structure/function; This variant is associated with the following publications: (PMID: 21311020, 25049390, 17361009, 35836572)

CeGaT Center for Human Genetics Tuebingen
Classification: Uncertain significance. Last evaluated: 2022-10-01. Review status: criteria provided, single submitter. Criteria: CeGaT Center For Human Genetics Tuebingen Variant Classification Criteria Version 2. Collection method: clinical testing. Allele origin: germline. Affected: yes. Observed: 1 variant allele.
Comment: MYO7A: PP3

Fulgent Genetics
Classification: Uncertain significance for Usher syndrome type 1; Autosomal recessive nonsyndromic hearing loss 2; Autosomal dominant nonsyndromic hearing loss 11. Last evaluated: 2021-10-09. Review status: criteria provided, single submitter. Criteria: ACMG Guidelines, 2015. Collection method: clinical testing. Allele origin: unknown.

Eurofins Ntd Llc (ga)
Classification: Uncertain significance. Last evaluated: 2017-05-09. Review status: criteria provided, single submitter. Criteria: EGL Classification Definitions 2015. Collection method: clinical testing. Allele origin: germline. Observed: 1 variant allele, 1 heterozygote.

Natera, Inc.
Classification: Uncertain significance for Usher syndrome type 1B. Last evaluated: 2020-02-20. Review status: no assertion criteria provided. Collection method: clinical testing. Allele origin: germline. Not counted in ClinVar's aggregate classification.

Counsyl
Classification: Uncertain significance for Usher syndrome type 1; Autosomal recessive nonsyndromic hearing loss 2. Last evaluated: 2017-11-22. Review status: no assertion criteria provided. Collection method: clinical testing. Allele origin: unknown. Not counted in ClinVar's aggregate classification.

Literature cited by the submitters: PubMed 17361009 (cited by Labcorp Genetics (formerly Invitae), Labcorp and Counsyl); PubMed 36460718 (cited by Labcorp Genetics (formerly Invitae), Labcorp).

NM_000260.4(MYO7A):c.3134T>C (p.Ile1045Thr)

Gene: MYO7A (myosin VIIA; plus strand). Cytogenetic location: 11q13.5.
Variant type: single nucleotide variant.
Coding change: c.3134T>C on transcript NM_000260.4 (MANE Select); coding-DNA position 3134, T replaced by C.
Protein change: p.Ile1045Thr; replaces isoleucine 1045 with threonine.
Molecular consequence: missense variant.
Genome position (GRCh38, 1-based): chr11:77,182,449, T>C. VCF-style: chr11-77182449-T-C. GRCh37 (hg19) VCF-style: chr11-76893494-T-C.
Other names: c.3134T>C, p.Ile1045Thr (NM_001127180.2); c.3101T>C, p.Ile1034Thr (NM_001369365.1); short protein forms I1045T, I1034T.
Identifiers: ClinVar variation 501914 (VCV000501914.45), dbSNP rs377326213, ClinGen allele CA6197996.